The following is an entry in ClinVar:

NM_001128840.3(CACNA1D):c.1784T>G (p.Val595Gly)

Gene: CACNA1D (calcium voltage-gated channel subunit alpha1 D; plus strand). Cytogenetic location: 3p21.1.
Variant type: single nucleotide variant.
Coding change: c.1784T>G on transcript NM_001128840.3 (MANE Select); coding-DNA position 1784, T replaced by G.
Protein change: p.Val595Gly; replaces valine 595 with glycine.
Molecular consequence: missense variant.
Genome position (GRCh38, 1-based): chr3:53,723,551, T>G. VCF-style: chr3-53723551-T-G. GRCh37 (hg19) VCF-style: chr3-53757578-T-G.
Other names: c.1844T>G, p.Val615Gly (NM_000720.4); c.1784T>G, p.Val595Gly (NM_001128839.3); short protein forms V595G, V615G.
Identifiers: ClinVar variation 2136069 (VCV002136069.1), dbSNP rs2473695908, ClinGen allele CA353237088.

ClinVar aggregate classification (germline): Uncertain significance (1 of 4 stars; one submission).

Submission:

GeneDx
Classification: Uncertain significance. Last evaluated: 2023-01-18. Review status: criteria provided, single submitter. Criteria: GeneDx Variant Classification Process June 2021. Collection method: clinical testing. Allele origin: germline. Affected: yes.
Comment: Not observed at significant frequency in large population cohorts (gnomAD); In silico analysis supports that this missense variant has a deleterious effect on protein structure/function; Has not been previously published as pathogenic or benign to our knowledge